The following is an entry in ClinVar:

NM_002432.3(MNDA):c.58T>C (p.Tyr20His)

Gene: MNDA (myeloid cell nuclear differentiation antigen; plus strand). Cytogenetic location: 1q23.1.
Variant type: single nucleotide variant.
Coding change: c.58T>C on transcript NM_002432.3 (MANE Select); coding-DNA position 58, T replaced by C.
Protein change: p.Tyr20His; replaces tyrosine 20 with histidine.
Molecular consequence: missense variant.
Genome position (GRCh38, 1-based): chr1:158,842,211, T>C. VCF-style: chr1-158842211-T-C. GRCh37 (hg19) VCF-style: chr1-158812001-T-C.
Other names: short protein forms Y20H.
Identifiers: ClinVar variation 3222200 (VCV003222200.1), dbSNP rs2526074565, ClinGen allele CA343036444.

ClinVar aggregate classification (germline): Uncertain significance (1 of 4 stars; one submission).

Submission:

Ambry Genetics
Classification: Uncertain significance. Last evaluated: 2023-12-08. Review status: criteria provided, single submitter. Criteria: Ambry Variant Classification Scheme 2023. Collection method: clinical testing. Allele origin: germline.
Comment: The p.Y20H variant (also known as c.58T>C), located in coding exon 1 of the MNDA gene, results from a T to C substitution at nucleotide position 58. The tyrosine at codon 20 is replaced by histidine, an amino acid with similar properties. This amino acid position is conserved. In addition, this alteration is predicted to be tolerated by in silico analysis. Since supporting evidence is limited at this time, the clinical significance of this alteration remains unclear.